The following is an entry in ClinVar:

NM_001166114.2(PNPLA6):c.370C>T (p.Pro124Ser)

Gene: PNPLA6 (patatin like domain 6, lysophospholipase; plus strand). Cytogenetic location: 19p13.2.
Variant type: single nucleotide variant.
Coding change: c.370C>T on transcript NM_001166114.2 (MANE Select); coding-DNA position 370, C replaced by T.
Protein change: p.Pro124Ser; replaces proline 124 with serine.
Molecular consequence: missense variant.
Genome position (GRCh38, 1-based): chr19:7,536,503, C>T. VCF-style: chr19-7536503-C-T. GRCh37 (hg19) VCF-style: chr19-7601389-C-T.
Other names: c.397C>T, p.Pro133Ser (NM_001166111.2); c.253C>T, p.Pro85Ser (NM_001166112.2, NM_001166113.1, NM_006702.5); short protein forms P124S, P133S, P85S.
Identifiers: ClinVar variation 3347347 (VCV003347347.1).

ClinVar aggregate classification (germline): Uncertain significance (0 of 4 stars; one submission).

Conditions:
PNPLA6-related disorder. Also called: PNPLA6-related condition; PNPLA6-related disorders.

Submission:

PreventionGenetics, part of Exact Sciences
Classification: Uncertain significance for PNPLA6-related condition. Last evaluated: 2024-09-17. Review status: no assertion criteria provided. Collection method: clinical testing. Allele origin: germline.
Comment: The PNPLA6 c.397C>T variant is predicted to result in the amino acid substitution p.Pro133Ser. To our knowledge, this variant has not been reported in the literature or in a large population database, indicating this variant is rare. At this time, the clinical significance of this variant is uncertain due to the absence of conclusive functional and genetic evidence.